The following is an entry in ClinVar:

ClinVar aggregate classification (germline): Uncertain significance. Review status: criteria provided, multiple submitters, no conflicts (2 of 4 stars). 2 submissions from 2 submitters: Uncertain significance (2). Last evaluated 2024-01-17.

Conditions:
Inborn genetic diseases. Identifiers: MedGen C0950123, MeSH D030342.

Allele frequency attached by ClinVar (database versions not stated): gnomAD 0.00001; TOPMed 0.00004.
gnomAD v4.1: 19 of 1,611,534 alleles (0.0012%); highest among the groups gnomAD compares: Admixed American, 0.013%; no homozygotes.

Submissions (2):

Ambry Genetics
Classification: Uncertain significance for Inborn genetic diseases. Last evaluated: 2024-01-17. Review status: criteria provided, single submitter. Criteria: Ambry Variant Classification Scheme 2023. Collection method: clinical testing. Allele origin: germline.

Labcorp Genetics (formerly Invitae), Labcorp
Classification: Uncertain significance. Last evaluated: 2022-09-01. Review status: criteria provided, single submitter. Criteria: Invitae Variant Classification Sherloc (09022015). Collection method: clinical testing. Allele origin: germline.
Comment: This sequence change replaces leucine, which is neutral and non-polar, with glutamine, which is neutral and polar, at codon 354 of the UBA5 protein (p.Leu354Gln). This variant is present in population databases (rs779047931, gnomAD 0.02%). This variant has not been reported in the literature in individuals affected with UBA5-related conditions. ClinVar contains an entry for this variant (Variation ID: 1413284). Algorithms developed to predict the effect of missense changes on protein structure and function are either unavailable or do not agree on the potential impact of this missense change (SIFT: "Not Available"; PolyPhen-2: "Benign"; Align-GVGD: "Not Available"). In summary, the available evidence is currently insufficient to determine the role of this variant in disease. Therefore, it has been classified as a Variant of Uncertain Significance.

NM_024818.6(UBA5):c.1061T>A (p.Leu354Gln)

Genes: NPHP3-ACAD11 (NPHP3-ACAD11 readthrough (NMD candidate); minus strand), UBA5 (ubiquitin like modifier activating enzyme 5; plus strand). Cytogenetic location: 3q22.1.
Variant type: single nucleotide variant.
Coding change: c.1061T>A on transcript NM_024818.6 (MANE Select); coding-DNA position 1061, T replaced by A.
Protein change: p.Leu354Gln; replaces leucine 354 with glutamine.
Molecular consequence: missense variant.
Genome position (GRCh38, 1-based): chr3:132,675,853, T>A. VCF-style: chr3-132675853-T-A. GRCh37 (hg19) VCF-style: chr3-132394697-T-A.
Other names: c.791T>A, p.Leu264Gln (NM_001321238.2); c.725T>A, p.Leu242Gln (NM_001321239.1); c.893T>A, p.Leu298Gln (NM_198329.4, NM_001320210.2); c.1061T>A (NM_024818.3); short protein forms L264Q, L354Q, L298Q, L242Q.
Identifiers: ClinVar variation 1413284 (VCV001413284.4), dbSNP rs779047931, ClinGen allele CA2621529.